The following is an entry in ClinVar:

ClinVar aggregate classification (germline): Conflicting classifications of pathogenicity. Review status: criteria provided, conflicting classifications (1 of 4 stars). 4 submissions from 4 submitters: Likely pathogenic (1); Uncertain significance (2). 1 of the submissions does not count toward it. Last evaluated 2024-05-22.

Conditions:
Charcot-Marie-Tooth disease X-linked dominant 1. Also called: Charcot-Marie-Tooth Neuropathy X Type 1; X-linked Charcot-Marie-Tooth disease type 1; GJB1 Disorders: Charcot-Marie-Tooth Neuropathy (CMT1X) and Central Nervous System Phenotypes; CHARCOT-MARIE-TOOTH NEUROPATHY, X-LINKED, 1; CHARCOT-MARIE-TOOTH PERONEAL MUSCULAR ATROPHY, X-LINKED; HEREDITARY MOTOR AND SENSORY NEUROPATHY, X-LINKED. Identifiers: Orphanet 101075, MedGen C0393808, MONDO:0010549, OMIM 302800.
Charcot-Marie-Tooth disease. Also called: Charcot-Marie-Tooth Hereditary Neuropathy; Charcot-Marie-Tooth Neuropathy. Identifiers: Orphanet 166, MedGen C0007959, MONDO:0015626.
Charcot-Marie-Tooth Neuropathy X. Identifiers: MedGen CN118851.

Submissions (4):

Fulgent Genetics
Classification: Likely pathogenic for Charcot-Marie-Tooth disease X-linked dominant 1. Last evaluated: 2024-05-22. Review status: criteria provided, single submitter. Criteria: ACMG Guidelines, 2015. Collection method: clinical testing. Allele origin: germline.

Women's Health and Genetics/Laboratory Corporation of America, LabCorp
Classification: Uncertain significance. Last evaluated: 2024-05-16. Review status: criteria provided, single submitter. Criteria: LabCorp Variant Classification Summary - May 2015. Collection method: clinical testing. Allele origin: germline.
Comment: Variant summary: GJB1 c.476G>A (p.Gly159Asp) results in a non-conservative amino acid change located in the Connexin, N-terminal domain (IPR013092) of the encoded protein sequence. Three of five in-silico tools predict a damaging effect of the variant on protein function. The variant was absent in 171957 control chromosomes (gnomAD V2 and V4). c.476G>A has been reported in the literature in individuals affected with Charcot-Marie-Tooth however without strong evidence of segregation (Antoniadi_2015, Arthur-Farraj_2012, Dubourg_2001, Panosyan_2017, Hong_2017). These report(s) do not provide unequivocal conclusions about association of the variant with Charcot-Marie-Tooth disease X-linked dominant 1. To our knowledge, no experimental evidence demonstrating an impact on protein function has been reported. The following publications have been ascertained in the context of this evaluation (PMID: 26392352, 22464564, 11404117, 28448691, 28768847). ClinVar contains an entry for this variant (Variation ID: 637591). Based on the evidence outlined above, the variant was classified as VUS-possibly pathogenic.

Labcorp Genetics (formerly Invitae), Labcorp
Classification: Uncertain significance for Charcot-Marie-Tooth Neuropathy X. Last evaluated: 2024-03-01. Review status: criteria provided, single submitter. Criteria: Invitae Variant Classification Sherloc (09022015). Collection method: clinical testing. Allele origin: germline.
Comment: This sequence change replaces glycine, which is neutral and non-polar, with aspartic acid, which is acidic and polar, at codon 159 of the GJB1 protein (p.Gly159Asp). This variant is not present in population databases (gnomAD no frequency). This missense change has been observed in individuals with Charcot-Marie-Tooth disease (PMID: 28768847). ClinVar contains an entry for this variant (Variation ID: 637591). Advanced modeling of protein sequence and biophysical properties (such as structural, functional, and spatial information, amino acid conservation, physicochemical variation, residue mobility, and thermodynamic stability) performed at Invitae indicates that this missense variant is not expected to disrupt GJB1 protein function with a negative predictive value of 80%. In summary, the available evidence is currently insufficient to determine the role of this variant in disease. Therefore, it has been classified as a Variant of Uncertain Significance.

Inherited Neuropathy Consortium
Classification: Uncertain significance for Charcot-Marie-Tooth disease. Review status: no assertion criteria provided. Collection method: literature only. Allele origin: germline. Affected: yes. Not counted in ClinVar's aggregate classification.

Literature cited by the submitters: PubMed 26392352 (cited by Women's Health and Genetics/Laboratory Corporation of America, LabCorp); PubMed 28768847 (cited by Women's Health and Genetics/Laboratory Corporation of America, LabCorp and Labcorp Genetics (formerly Invitae), Labcorp); PubMed 22464564 (cited by Women's Health and Genetics/Laboratory Corporation of America, LabCorp); PubMed 11404117 (cited by Women's Health and Genetics/Laboratory Corporation of America, LabCorp and Inherited Neuropathy Consortium); PubMed 28448691 (cited by Women's Health and Genetics/Laboratory Corporation of America, LabCorp).

NM_000166.6(GJB1):c.476G>A (p.Gly159Asp)

Gene: GJB1 (gap junction protein beta 1; plus strand). Cytogenetic location: Xq13.1.
Variant type: single nucleotide variant.
Coding change: c.476G>A on transcript NM_000166.6 (MANE Select); coding-DNA position 476, G replaced by A.
Protein change: p.Gly159Asp; replaces glycine 159 with aspartic acid.
Molecular consequence: missense variant.
Genome position (GRCh38, 1-based): chrX:71,224,183, G>A. VCF-style: chrX-71224183-G-A. GRCh37 (hg19) VCF-style: chrX-70444033-G-A.
Other names: c.476G>A, p.Gly159Asp (NM_001097642.3); short protein forms G159D.
Identifiers: ClinVar variation 637591 (VCV000637591.10), dbSNP rs1602349446, ClinGen allele CA413502681.
Genomic context (GRCh38, chrX:71,224,183, plus strand): 5'-TGGTGTTCCGGCTGTTGTTTGAGGCCGTCTTCATGTATGTCTTTTATCTGCTCTACCCTG[G>A]CTATGCCATGGTGCGGCTGGTCAAGTGCGACGTCTACCCCTGCCCCAACACAGTGGACTG-3'
Protein context (NP_000157.1, residues 149-169): FMYVFYLLYP[Gly159Asp]YAMVRLVKCD